The following is an entry in ClinVar:

ClinVar aggregate classification (germline): Likely benign. Review status: criteria provided, single submitter (1 of 4 stars). 2 submissions from 2 submitters: Likely benign (1). 1 of the submissions does not count toward it. Last evaluated 2025-03-06.

Conditions:
COQ9-related disorder. Also called: COQ9-related condition.

Allele frequency attached by ClinVar (database versions not stated): gnomAD exomes 0.00001; ExAC 0.00003; gnomAD 0.00007; TOPMed 0.00007; ESP Exome Variant Server 0.00008.
gnomAD v4.1: 31 of 1,613,088 alleles (0.0019%); highest among the groups gnomAD compares: African/African-American, 0.024%; no homozygotes.

Submissions (2):

Labcorp Genetics (formerly Invitae), Labcorp
Classification: Likely benign. Last evaluated: 2025-03-06. Review status: criteria provided, single submitter. Criteria: Invitae Variant Classification Sherloc (09022015). Collection method: clinical testing. Allele origin: germline.

PreventionGenetics, part of Exact Sciences
Classification: Likely benign for COQ9-related condition. Last evaluated: 2020-04-07. Review status: no assertion criteria provided. Collection method: clinical testing. Allele origin: germline. Not counted in ClinVar's aggregate classification.
Comment: This variant is classified as likely benign based on ACMG/AMP sequence variant interpretation guidelines (Richards et al. 2015 PMID: 25741868, with internal and published modifications).

NM_020312.4(COQ9):c.378+8T>C

Gene: COQ9 (coenzyme Q9; plus strand). Cytogenetic location: 16q21.
Variant type: single nucleotide variant.
Coding change: c.378+8T>C on transcript NM_020312.4 (MANE Select); 8 bases into the intron after coding-DNA position 378, T replaced by C.
Molecular consequence: intron variant.
Genome position (GRCh38, 1-based): chr16:57,452,944, T>C. VCF-style: chr16-57452944-T-C. GRCh37 (hg19) VCF-style: chr16-57486856-T-C.
Other names: c.378+8T>C (NM_020312.3).
Identifiers: ClinVar variation 1986893 (VCV001986893.6), dbSNP rs367616807, ClinGen allele CA8076165.